The following is an entry in ClinVar:

ClinVar aggregate classification (germline): Uncertain significance (1 of 4 stars; one submission).

Conditions:
Hereditary cancer-predisposing syndrome. Also called: Neoplastic Syndromes, Hereditary; Tumor predisposition; Hereditary neoplastic syndrome; Hereditary Cancer Syndrome. Identifiers: Orphanet 140162, MedGen C0027672, MeSH D009386, MONDO:0015356.

Submission:

Ambry Genetics
Classification: Uncertain significance for Hereditary cancer-predisposing syndrome. Last evaluated: 2023-12-10. Review status: criteria provided, single submitter. Criteria: Ambry Variant Classification Scheme 2023. Collection method: clinical testing. Allele origin: germline.
Comment: The p.S928N variant (also known as c.2783G>A), located in coding exon 24 of the POLE gene, results from a G to A substitution at nucleotide position 2783. The serine at codon 928 is replaced by asparagine, an amino acid with highly similar properties. This amino acid position is conserved. In addition, this alteration is predicted to be tolerated by in silico analysis. Since supporting evidence is limited at this time, the clinical significance of this alteration remains unclear.

NM_006231.4(POLE):c.2783G>A (p.Ser928Asn)

Gene: POLE (DNA polymerase epsilon, catalytic subunit; minus strand). Cytogenetic location: 12q24.33.
Variant type: single nucleotide variant.
Coding change: c.2783G>A on transcript NM_006231.4 (MANE Select); coding-DNA position 2783, G replaced by A.
Protein change: p.Ser928Asn; replaces serine 928 with asparagine.
Molecular consequence: missense variant.
Genome position (GRCh38, 1-based): chr12:132,661,608, C>T on the plus strand (G>A on the coding strand, the complement: POLE is on the minus strand). VCF-style: chr12-132661608-C-T. GRCh37 (hg19) VCF-style: chr12-133238194-C-T.
Other names: short protein forms S928N.
Identifiers: ClinVar variation 3225428 (VCV003225428.1), dbSNP rs2042683635, ClinGen allele CA387393814.